The following is an entry in ClinVar:

ClinVar aggregate classification (germline): Uncertain significance. Review status: criteria provided, multiple submitters, no conflicts (2 of 4 stars). 2 submissions from 2 submitters: Uncertain significance (2). Last evaluated 2025-08-04.

Conditions:
Cohen syndrome (COH1). Also called: PEPPER SYNDROME; Cutis verticis gyrata, retinitis pigmentosa, and sensorineural deafness. Identifiers: Orphanet 193, MedGen C0265223, MONDO:0008999, OMIM 216550.
VPS13B-related disorder. Also called: VPS13B-related condition.

Submissions (2):

PreventionGenetics, part of Exact Sciences
Classification: Uncertain significance for VPS13B-related condition. Last evaluated: 2025-08-04. Review status: criteria provided, single submitter. Criteria: ACMG Guidelines, 2015. Collection method: clinical testing. Allele origin: germline.
Comment: The VPS13B c.1639A>T variant is predicted to result in the amino acid substitution p.Thr547Ser. To our knowledge, this variant has not been reported in the literature or in a large population database (gnomAD), indicating this variant is rare. At this time, the clinical significance of this variant is uncertain due to the absence of conclusive functional and genetic evidence.

Labcorp Genetics (formerly Invitae), Labcorp
Classification: Uncertain significance for Cohen syndrome. Last evaluated: 2023-10-13. Review status: criteria provided, single submitter. Criteria: Invitae Variant Classification Sherloc (09022015). Collection method: clinical testing. Allele origin: germline.
Comment: This sequence change replaces threonine, which is neutral and polar, with serine, which is neutral and polar, at codon 547 of the VPS13B protein (p.Thr547Ser). This variant is not present in population databases (gnomAD no frequency). This variant has not been reported in the literature in individuals affected with VPS13B-related conditions. ClinVar contains an entry for this variant (Variation ID: 1437938). Advanced modeling of protein sequence and biophysical properties (such as structural, functional, and spatial information, amino acid conservation, physicochemical variation, residue mobility, and thermodynamic stability) performed at Invitae indicates that this missense variant is not expected to disrupt VPS13B protein function. In summary, the available evidence is currently insufficient to determine the role of this variant in disease. Therefore, it has been classified as a Variant of Uncertain Significance.

NM_152564.5(VPS13B):c.1639A>T (p.Thr547Ser)

Gene: VPS13B (vacuolar protein sorting 13 homolog B; plus strand). Cytogenetic location: 8q22.2.
Variant type: single nucleotide variant.
Coding change: c.1639A>T on transcript NM_152564.5 (MANE Select); coding-DNA position 1639, A replaced by T.
Protein change: p.Thr547Ser; replaces threonine 547 with serine.
Molecular consequence: missense variant.
Genome position (GRCh38, 1-based): chr8:99,136,740, A>T. VCF-style: chr8-99136740-A-T. GRCh37 (hg19) VCF-style: chr8-100148968-A-T.
Other names: c.1639A>T, p.Thr547Ser (NM_015243.3, NM_017890.5); c.1639A>T (NM_152564.4); short protein forms T547S.
Identifiers: ClinVar variation 1437938 (VCV001437938.7), dbSNP rs142971568, ClinGen allele CA371863579.